The following is an entry in ClinVar:

ClinVar aggregate classification (germline): Pathogenic (1 of 4 stars; one submission).

Conditions:
Acute infantile liver failure due to synthesis defect of mtDNA-encoded proteins. Also called: Liver failure acute infantile; LIVER FAILURE, INFANTILE, TRANSIENT; TRMU Deficiency. Identifiers: Orphanet 217371, MedGen C3278664, MONDO:0013111, OMIM 613070.

Submission:

Myriad Genetics, Inc.
Classification: Pathogenic for Acute infantile liver failure due to synthesis defect of mtDNA-encoded proteins. Last evaluated: 2026-01-09. Review status: criteria provided, single submitter. Criteria: Myriad Autosomal Dominant, Autosomal Recessive and X-Linked Classification Criteria (2023). Collection method: clinical testing. Allele origin: unknown.
Comment: NM_018006.4(TRMU):c.591dupA(E198Rfs*9) is expected to be pathogenic in the context of acute liver failure, TRMU-related. This variant is predicted to lead to an abnormal or absent protein product due to the creation of a premature termination codon in TRMU, a gene where loss-of-function variants are known to be pathogenic. Please note: this variant was assessed in the context of healthy population screening.

NM_018006.5(TRMU):c.591dup (p.Glu198fs)

Gene: TRMU (tRNA mitochondrial 2-thiouridylase; plus strand). Cytogenetic location: 22q13.31.
Variant type: Duplication.
Coding change: c.591dup on transcript NM_018006.5 (MANE Select); coding-DNA position 591, one base duplicated (A; older notation c.591dupA).
Protein change: p.Glu198fs; shifts the reading frame from glutamic acid 198.
Molecular consequence: frameshift variant. On other transcripts: non-coding transcript variant (2).
Genome position (GRCh38, 1-based): chr22:46,350,403, A duplicated; the last of 3 consecutive A bases (chr22:46,350,401-46,350,403); duplicating any one gives the same sequence. VCF-style (leftmost placement, unchanged base first): chr22-46350400-G-GA. GRCh37 (hg19) VCF-style: chr22-46746297-G-GA.
Other names: c.249dup, p.Glu84fs (NM_001282782.2); c.171dup, p.Glu58fs (NM_001282783.2, NM_001282784.2); c.591dup, p.Glu198fs (NM_001282785.2); short protein forms E198fs, E58fs, E84fs.
Identifiers: ClinVar variation 5015404 (VCV005015404.1).